The following is an entry in ClinVar:

ClinVar aggregate classification (germline): Uncertain significance (1 of 4 stars; one submission).

Submission:

Ambry Genetics
Classification: Uncertain significance. Last evaluated: 2026-01-18. Review status: criteria provided, single submitter. Criteria: Ambry Variant Classification Scheme 2023. Collection method: clinical testing. Allele origin: germline.
Comment: The p.A1417T variant (also known as c.4249G>A), located in coding exon 19 of the WNK2 gene, results from a G to A substitution at nucleotide position 4249. The alanine at codon 1417 is replaced by threonine, an amino acid with similar properties. This amino acid position is conserved. In addition, this alteration is predicted to be tolerated by in silico analysis. Based on the available evidence, the clinical significance of this variant remains unclear.

NM_006648.4(WNK2):c.4249G>A (p.Ala1417Thr)

Gene: WNK2 (WNK lysine deficient protein kinase 2; plus strand). Cytogenetic location: 9q22.31.
Variant type: single nucleotide variant.
Coding change: c.4249G>A on transcript NM_006648.4 (MANE Select); coding-DNA position 4249, G replaced by A.
Protein change: p.Ala1417Thr; replaces alanine 1417 with threonine.
Molecular consequence: missense variant.
Genome position (GRCh38, 1-based): chr9:93,289,003, G>A. VCF-style: chr9-93289003-G-A. GRCh37 (hg19) VCF-style: chr9-96051285-G-A.
Other names: c.4360G>A, p.Ala1454Thr (NM_001282394.3); short protein forms A1417T, A1454T.
Identifiers: ClinVar variation 4844859 (VCV004844859.1).
Genomic context (GRCh38, chr9:93,289,003, plus strand): 5'-GATGGAGCAGCTCCAGCCACCAGCACCATGCCAGAGCCAGCGTCAGGAACTGCCAGCCAG[G>A]CAGGGGGTCCAGGGACACCTCAGGGGCTGACCAGTGAGCTCGAGACGTCTCAGCCACTAG-3'
Protein context (NP_006639.3, residues 1407-1427): PEPASGTASQ[Ala1417Thr]GGPGTPQGLT